The following is an entry in ClinVar:

ClinVar aggregate classification (germline): Likely benign. Review status: criteria provided, multiple submitters, no conflicts (2 of 4 stars). 2 submissions from 2 submitters: Likely benign (2). Last evaluated 2023-05-01.

Allele frequency attached by ClinVar (database versions not stated): ExAC 0.00002; gnomAD 0.00002; gnomAD exomes 0.00002; TOPMed 0.00003.

Submissions (2):

CeGaT Center for Human Genetics Tuebingen
Classification: Likely benign. Last evaluated: 2023-05-01. Review status: criteria provided, single submitter. Criteria: CeGaT Center For Human Genetics Tuebingen Variant Classification Criteria Version 2. Collection method: clinical testing. Allele origin: germline. Affected: yes. Observed: 2 variant alleles.
Comment: LGR4: BP4

Labcorp Genetics (formerly Invitae), Labcorp
Classification: Likely benign. Last evaluated: 2018-07-10. Review status: criteria provided, single submitter. Criteria: Invitae Variant Classification Sherloc (09022015). Collection method: clinical testing. Allele origin: germline.

NM_018490.5(LGR4):c.535C>T (p.Leu179=)

Gene: LGR4 (leucine rich repeat containing G protein-coupled receptor 4; minus strand). Cytogenetic location: 11p14.1.
Variant type: single nucleotide variant.
Coding change: c.535C>T on transcript NM_018490.5 (MANE Select); coding-DNA position 535, C replaced by T.
Protein change: p.Leu179=; no amino-acid change (leucine 179 retained).
Molecular consequence: synonymous variant.
Genome position (GRCh38, 1-based): chr11:27,385,335, G>A on the plus strand (C>T on the coding strand, the complement: LGR4 is on the minus strand). VCF-style: chr11-27385335-G-A. GRCh37 (hg19) VCF-style: chr11-27406882-G-A.
Other names: c.463C>T, p.Leu155= (NM_001346432.2).
Identifiers: ClinVar variation 755381 (VCV000755381.27), dbSNP rs776464279, ClinGen allele CA5928706.